The following is an entry in ClinVar:

NM_001267550.2(TTN):c.63793+9del

Genes: TTN-AS1 (TTN antisense RNA 1; plus strand), TTN (titin; minus strand). Cytogenetic location: 2q31.2.
Variant type: Deletion.
Coding change: c.63793+9del on transcript NM_001267550.2 (MANE Select); 9 bases into the intron after coding-DNA position 63793, one base deleted (C; older notation c.63793+9delC).
Molecular consequence: intron variant.
Genome position (GRCh38, 1-based): chr2:178,587,507, G deleted on the plus strand (C on the coding strand, the reverse complement: TTN is on the minus strand). VCF-style (leftmost placement, unchanged base first): chr2-178587506-AG-A. GRCh37 (hg19) VCF-style: chr2-179452233-AG-A.
Other names: c.36598+9del (NM_003319.4); c.37174+9del (NM_133437.4); c.36973+9del (NM_133432.3); c.56089+9del (NM_133378.4); c.58870+9del (NM_001256850.1); c.63793+9delC (NM_001267550.2); c.58870+9delC (NM_001256850.1).
Identifiers: ClinVar variation 508993 (VCV000508993.13), dbSNP rs771033923, ClinGen allele CA1992030.
Genomic context (GRCh38, chr2:178,587,506, plus strand): 5'-ATGTCTCCTCAGCATCCCTATTAACAAATTCATTTTTGAAGTGGGAGGGAGAAGCATTTT[AG>A]TAACCCACCTAATACTCTGACATTTACGAATACAGCCTTTTCTCCTGCTGGGTTCACAAG-3'

ClinVar aggregate classification (germline): Likely benign. Review status: criteria provided, multiple submitters, no conflicts (2 of 4 stars). 5 submissions from 5 submitters: Likely benign (5). Last evaluated 2026-01-19.

Conditions:
Autosomal recessive limb-girdle muscular dystrophy type 2J (LGMDR10). Also called: Limb-girdle muscular dystrophy, type 2J; MUSCULAR DYSTROPHY, LIMB-GIRDLE, AUTOSOMAL RECESSIVE 10. Identifiers: Orphanet 140922, MedGen C1837342, MONDO:0012127, OMIM 608807.
Dilated cardiomyopathy 1G (CMD1G). Identifiers: Orphanet 154, MedGen C1858763, MONDO:0011400, OMIM 604145.
TTN-related disorder. Also called: TTN-related condition; TTN-related disease; TTN-related disorders.
Myopathy, myofibrillar, 9, with early respiratory failure (MFM9). Also called: Hereditary myopathy with early respiratory failure; EDSTROM MYOPATHY; MYOPATHY, PROXIMAL, WITH EARLY RESPIRATORY MUSCLE INVOLVEMENT; Myopathy, distal, with early respiratory failure, autosomal dominant. Identifiers: Orphanet 178464, Orphanet 34521, MedGen C1863599, MONDO:0011362, OMIM 603689.
Early-onset myopathy with fatal cardiomyopathy (CMYO5). Also called: Salih Myopathy; CONGENITAL MYOPATHY 5 WITH CARDIOMYOPATHY. Identifiers: Orphanet 289377, MedGen C2673677, MONDO:0012714, OMIM 611705. Disease mechanism: loss of function.
Tibial muscular dystrophy (TMD). Also called: Udd Distal Myopathy – Tibial Muscular Dystrophy; UDD MYOPATHY; Tibial muscular dystrophy, tardive. Identifiers: Orphanet 609, MedGen C1838244, MONDO:0010870, OMIM 600334.
Hypertrophic cardiomyopathy 9. Also called: Familial hypertrophic cardiomyopathy 9. Identifiers: MedGen C1861065, MONDO:0013412, OMIM 613765.

Allele frequency attached by ClinVar (database versions not stated): ExAC 0.00002; gnomAD 0.00002; gnomAD exomes 0.00002; TOPMed 0.00003.

Submissions (5):

Labcorp Genetics (formerly Invitae), Labcorp
Classification: Likely benign for Dilated cardiomyopathy 1G; Autosomal recessive limb-girdle muscular dystrophy type 2J. Last evaluated: 2026-01-19. Review status: criteria provided, single submitter. Criteria: Invitae Variant Classification Sherloc (09022015). Collection method: clinical testing. Allele origin: germline.

PreventionGenetics, part of Exact Sciences
Classification: Likely benign for TTN-related condition. Last evaluated: 2025-09-05. Review status: criteria provided, single submitter. Criteria: ACMG Guidelines, 2015. Collection method: clinical testing. Allele origin: germline.
Comment: This variant is classified as likely benign based on ACMG/AMP sequence variant interpretation guidelines (Richards et al. 2015 PMID: 25741868, with internal and published modifications).

Blueprint Genetics
Classification: Likely benign. Last evaluated: 2024-08-30. Review status: criteria provided, single submitter. Criteria: ACMG Guidelines, 2015. Collection method: clinical testing. Allele origin: germline.

Fulgent Genetics
Classification: Likely benign for Tibial muscular dystrophy; Myopathy, myofibrillar, 9, with early respiratory failure; Dilated cardiomyopathy 1G; Autosomal recessive limb-girdle muscular dystrophy type 2J; Early-onset myopathy with fatal cardiomyopathy; Hypertrophic cardiomyopathy 9. Last evaluated: 2022-04-14. Review status: criteria provided, single submitter. Criteria: ACMG Guidelines, 2015. Collection method: clinical testing. Allele origin: unknown.

GeneDx
Classification: Likely benign. Last evaluated: 2017-04-13. Review status: criteria provided, single submitter. Criteria: GeneDx Variant Classification (06012015). Collection method: clinical testing. Allele origin: germline. Affected: yes.
Comment: This variant is considered likely benign or benign based on one or more of the following criteria: it is a conservative change, it occurs at a poorly conserved position in the protein, it is predicted to be benign by multiple in silico algorithms, and/or has population frequency not consistent with disease.